The following is an entry in ClinVar:

ClinVar aggregate classification (germline): Pathogenic/Likely pathogenic. Review status: criteria provided, multiple submitters, no conflicts (2 of 4 stars). 4 submissions from 4 submitters: Pathogenic (2); Likely pathogenic (1). 1 of the submissions does not count toward it. Last evaluated 2026-06-05.

Conditions:
Glycogen storage disease, type V (GSD5). Also called: MUSCLE GLYCOGEN PHOSPHORYLASE DEFICIENCY; MYOPHOSPHORYLASE DEFICIENCY; PYGM DEFICIENCY; McArdle type glycogen storage disease; MCARDLE DISEASE. Identifiers: Orphanet 368, MedGen C0017924, MONDO:0009293, OMIM 232600.

Submissions (4):

Myriad Genetics, Inc.
Classification: Pathogenic for Glycogen storage disease, type V. Last evaluated: 2026-06-05. Review status: criteria provided, single submitter. Criteria: Myriad Autosomal Dominant, Autosomal Recessive and X-Linked Classification Criteria (2023). Collection method: clinical testing. Allele origin: unknown.
Comment: NM_005609.2(PYGM):c.395_408del14(L132Pfs*10) is a frameshift variant classified as pathogenic in the context of glycogen storage disease, PYGM-related. L132Pfs*10 has not been observed in cases with relevant disease. Relevant functional assessments of this variant are not available in the literature. L132Pfs*10 has not been observed in referenced population frequency databases. In summary, NM_005609.2(PYGM):c.395_408del14(L132Pfs*10) is a frameshift variant in a gene where loss of function is a known mechanism of disease and is predicted to disrupt protein function. Please note: this variant was assessed in the context of healthy population screening.

Labcorp Genetics (formerly Invitae), Labcorp
Classification: Pathogenic for Glycogen storage disease, type V. Last evaluated: 2025-09-08. Review status: criteria provided, single submitter. Criteria: Invitae Variant Classification Sherloc (09022015). Collection method: clinical testing. Allele origin: germline.
Comment: This sequence change creates a premature translational stop signal (p.Leu132Profs*10) in the PYGM gene. It is expected to result in an absent or disrupted protein product. Loss-of-function variants in PYGM are known to be pathogenic (PMID: 8316268, 16786513). This variant is not present in population databases (gnomAD no frequency). This variant has not been reported in the literature in individuals affected with PYGM-related conditions. ClinVar contains an entry for this variant (Variation ID: 591687). For these reasons, this variant has been classified as Pathogenic.

Fulgent Genetics
Classification: Likely pathogenic for Glycogen storage disease, type V. Last evaluated: 2022-03-11. Review status: criteria provided, single submitter. Criteria: ACMG Guidelines, 2015. Collection method: clinical testing. Allele origin: unknown.

Gharavi Laboratory, Columbia University
Classification: Uncertain significance. Last evaluated: 2018-09-16. Review status: no assertion criteria provided. Criteria: ACMG Guidelines, 2015. Collection method: research. Allele origin: germline. Affected: yes. Not counted in ClinVar's aggregate classification.

Literature cited by the submitters: PubMed 8316268 (cited by Labcorp Genetics (formerly Invitae), Labcorp); PubMed 16786513 (cited by Labcorp Genetics (formerly Invitae), Labcorp).

NM_005609.4(PYGM):c.395_408del (p.Leu132fs)

Gene: PYGM (glycogen phosphorylase, muscle associated; minus strand). Cytogenetic location: 11q13.1.
Variant type: Deletion.
Coding change: c.395_408del on transcript NM_005609.4 (MANE Select); coding-DNA positions 395 to 408, 14 bases deleted (TGGGCAACGGGGGC).
Protein change: p.Leu132fs; shifts the reading frame from leucine 132.
Molecular consequence: frameshift variant. On other transcripts: intron variant (1).
Genome position (GRCh38, 1-based): chr11:64,758,453-64,758,466, GCCCCCGTTGCCCA deleted on the plus strand (TGGGCAACGGGGGC on the coding strand, the reverse complement: PYGM is on the minus strand); deleting any 14 consecutive bases within chr11:64,758,453-64,758,471 gives the same sequence; the c. name uses the placement nearest the transcript's 3' end. VCF-style (leftmost placement, unchanged base first): chr11-64758452-GGCCCCCGTTGCCCA-G. GRCh37 (hg19) VCF-style: chr11-64525924-GGCCCCCGTTGCCCA-G.
Other names: c.244-200_244-187del (NM_001164716.1); short protein forms L132fs.
Identifiers: ClinVar variation 591687 (VCV000591687.9), dbSNP rs1565538121, ClinGen allele CA891862910.
Genomic context (GRCh38, chr11:64,758,452, plus strand): 5'-AGGACCCCATCGGCCCACTCCACCCTCACGGCCCTGTCTTCTTACCTGCCAGCCGGCCCA[GGCCCCCGTTGCCCA>G]GCCCCGCATCCTCCTCAATTTCCTCCAGCTCCTCCATGTCCAGGCCCAGCTGGAGGAGTG-3'